The following is an entry in ClinVar:

ClinVar aggregate classification (germline): Uncertain significance. Review status: criteria provided, multiple submitters, no conflicts (2 of 4 stars). 2 submissions from 2 submitters: Uncertain significance (2). Last evaluated 2026-09-06.

Allele frequency attached by ClinVar (database versions not stated): TOPMed 0.00001; ExAC 0.00001; gnomAD 0.00001; gnomAD exomes 0.00001.
gnomAD v4.1: 14 of 1,612,450 alleles (0.00087%); highest among the groups gnomAD compares: East Asian, 0.0022%; no homozygotes.

Submissions (2):

Ambry Genetics
Classification: Uncertain significance. Last evaluated: 2026-09-06. Review status: criteria provided, single submitter. Criteria: Ambry Variant Classification Scheme 2023. Collection method: clinical testing. Allele origin: germline.
Comment: The p.D256N variant (also known as c.766G>A), located in coding exon 9 of the RASA2 gene, results from a G to A substitution at nucleotide position 766. The aspartic acid at codon 256 is replaced by asparagine, an amino acid with highly similar properties. This amino acid position is conserved. In addition, this alteration is predicted to be tolerated by in silico analysis. Based on the available evidence, the clinical significance of this variant remains unclear.

Labcorp Genetics (formerly Invitae), Labcorp
Classification: Uncertain significance. Last evaluated: 2024-08-06. Review status: criteria provided, single submitter. Criteria: Invitae Variant Classification Sherloc (09022015). Collection method: clinical testing. Allele origin: germline.
Comment: This sequence change replaces aspartic acid, which is acidic and polar, with asparagine, which is neutral and polar, at codon 256 of the RASA2 protein (p.Asp256Asn). This variant is present in population databases (rs770364469, gnomAD 0.002%). This variant has not been reported in the literature in individuals affected with RASA2-related conditions. ClinVar contains an entry for this variant (Variation ID: 1473586). Advanced modeling of protein sequence and biophysical properties (such as structural, functional, and spatial information, amino acid conservation, physicochemical variation, residue mobility, and thermodynamic stability) performed at Invitae indicates that this missense variant is not expected to disrupt RASA2 protein function with a negative predictive value of 80%. In summary, the available evidence is currently insufficient to determine the role of this variant in disease. Therefore, it has been classified as a Variant of Uncertain Significance.

NM_006506.5(RASA2):c.766G>A (p.Asp256Asn)

Gene: RASA2 (RAS p21 protein activator 2; plus strand). Cytogenetic location: 3q23.
Variant type: single nucleotide variant.
Coding change: c.766G>A on transcript NM_006506.5 (MANE Select); coding-DNA position 766, G replaced by A.
Protein change: p.Asp256Asn; replaces aspartic acid 256 with asparagine.
Molecular consequence: missense variant.
Genome position (GRCh38, 1-based): chr3:141,559,898, G>A. VCF-style: chr3-141559898-G-A. GRCh37 (hg19) VCF-style: chr3-141278740-G-A.
Other names: c.766G>A, p.Asp256Asn (NM_001303245.3, NM_001303246.3); c.766G>A (NM_006506.2); short protein forms D256N.
Identifiers: ClinVar variation 1473586 (VCV001473586.9), dbSNP rs770364469, ClinGen allele CA2645316.